The following is an entry in ClinVar:

ClinVar aggregate classification (germline): Likely benign (1 of 4 stars; one submission).

Allele frequency attached by ClinVar (database versions not stated): ExAC 0.00001; gnomAD 0.00001; TOPMed 0.00002; gnomAD exomes 0.00004.
gnomAD v4.1: 63 of 1,614,090 alleles (0.0039%); highest among the groups gnomAD compares: Non-Finnish European, 0.0052%; no homozygotes.

Submission:

CeGaT Center for Human Genetics Tuebingen
Classification: Likely benign. Last evaluated: 2023-03-01. Review status: criteria provided, single submitter. Criteria: CeGaT Center For Human Genetics Tuebingen Variant Classification Criteria Version 2. Collection method: clinical testing. Allele origin: germline. Affected: yes. Observed: 1 variant allele.
Comment: MAB21L3: BP4, BP7

NM_152367.3(MAB21L3):c.348G>A (p.Val116=)

Gene: MAB21L3 (mab-21 like 3; plus strand). Cytogenetic location: 1p13.1.
Variant type: single nucleotide variant.
Coding change: c.348G>A on transcript NM_152367.3 (MANE Select); coding-DNA position 348, G replaced by A.
Protein change: p.Val116=; no amino-acid change (valine 116 retained).
Molecular consequence: synonymous variant.
Genome position (GRCh38, 1-based): chr1:116,124,224, G>A. VCF-style: chr1-116124224-G-A. GRCh37 (hg19) VCF-style: chr1-116666845-G-A.
Identifiers: ClinVar variation 2639013 (VCV002639013.24), dbSNP rs761408455, ClinGen allele CA1024727.
Genomic context (GRCh38, chr1:116,124,224, plus strand): 5'-GGGCACCAGGCTGCCCTGCCCGTTGCGGGACCCTGAGGGTCTGCAGCAGTGGCTGGAGGT[G>A]GAACAGTTTATGAAGAGCCTGTGGCAGTGGCATGAGACAGATGTGAACATCGACGGAGAC-3'
Protein context (NP_689580.2, residues 106-126): DPEGLQQWLE[Val116=]EQFMKSLWQW